The following is an entry in ClinVar:

NM_003982.4(SLC7A7):c.1024G>A (p.Gly342Ser)

Gene: SLC7A7 (solute carrier family 7 member 7; minus strand). Cytogenetic location: 14q11.2.
Variant type: single nucleotide variant.
Coding change: c.1024G>A on transcript NM_003982.4 (MANE Select); coding-DNA position 1024, G replaced by A.
Protein change: p.Gly342Ser; replaces glycine 342 with serine.
Molecular consequence: missense variant.
Genome position (GRCh38, 1-based): chr14:22,775,515, C>T on the plus strand (G>A on the coding strand, the complement: SLC7A7 is on the minus strand). VCF-style: chr14-22775515-C-T. GRCh37 (hg19) VCF-style: chr14-23244724-C-T.
Other names: c.1024G>A, p.Gly342Ser (NM_001126105.3, NM_001126106.4); short protein forms G342S.
Identifiers: ClinVar variation 2180189 (VCV002180189.4), dbSNP rs2501842242, ClinGen allele CA388923136.

ClinVar aggregate classification (germline): Uncertain significance (1 of 4 stars; one submission).

Conditions:
Lysinuric protein intolerance (LPI). Identifiers: Orphanet 470, MedGen C0268647, MONDO:0009109, OMIM 222700.

Submission:

Labcorp Genetics (formerly Invitae), Labcorp
Classification: Uncertain significance for Lysinuric protein intolerance. Last evaluated: 2023-11-27. Review status: criteria provided, single submitter. Criteria: Invitae Variant Classification Sherloc (09022015). Collection method: clinical testing. Allele origin: germline.
Comment: This sequence change replaces glycine, which is neutral and non-polar, with serine, which is neutral and polar, at codon 342 of the SLC7A7 protein (p.Gly342Ser). This variant is not present in population databases (gnomAD no frequency). This variant has not been reported in the literature in individuals affected with SLC7A7-related conditions. ClinVar contains an entry for this variant (Variation ID: 2180189). An algorithm developed to predict the effect of missense changes on protein structure and function (PolyPhen-2) suggests that this variant is likely to be disruptive. In summary, the available evidence is currently insufficient to determine the role of this variant in disease. Therefore, it has been classified as a Variant of Uncertain Significance.